The following is an entry in ClinVar:

NM_014679.5(CEP57):c.341A>T (p.Glu114Val)

Gene: CEP57 (centrosomal protein 57; plus strand). Cytogenetic location: 11q21.
Variant type: single nucleotide variant.
Coding change: c.341A>T on transcript NM_014679.5 (MANE Select); coding-DNA position 341, A replaced by T.
Protein change: p.Glu114Val; replaces glutamic acid 114 with valine.
Molecular consequence: missense variant.
Genome position (GRCh38, 1-based): chr11:95,813,070, A>T. VCF-style: chr11-95813070-A-T. GRCh37 (hg19) VCF-style: chr11-95546234-A-T.
Other names: c.314A>T, p.Glu105Val (NM_001243776.2); c.341A>T, p.Glu114Val (NM_001243777.2); c.260A>T, p.Glu87Val (NM_001363604.2); short protein forms E105V, E114V, E87V.
Identifiers: ClinVar variation 2164938 (VCV002164938.4), dbSNP rs765402486, ClinGen allele CA382420862.

ClinVar aggregate classification (germline): Uncertain significance (1 of 4 stars; one submission).

Conditions:
Mosaic variegated aneuploidy syndrome 2 (MVA2). Identifiers: Orphanet 1052, MedGen C3279843, MONDO:0013582, OMIM 614114.

Submission:

Labcorp Genetics (formerly Invitae), Labcorp
Classification: Uncertain significance for Mosaic variegated aneuploidy syndrome 2. Last evaluated: 2022-08-04. Review status: criteria provided, single submitter. Criteria: Invitae Variant Classification Sherloc (09022015). Collection method: clinical testing. Allele origin: germline.
Comment: Algorithms developed to predict the effect of missense changes on protein structure and function are either unavailable or do not agree on the potential impact of this missense change (SIFT: "Tolerated"; PolyPhen-2: "Probably Damaging"; Align-GVGD: "Class C0"). In summary, the available evidence is currently insufficient to determine the role of this variant in disease. Therefore, it has been classified as a Variant of Uncertain Significance. Algorithms developed to predict the effect of sequence changes on RNA splicing suggest that this variant may create or strengthen a splice site. This variant has not been reported in the literature in individuals affected with CEP57-related conditions. This variant is not present in population databases (gnomAD no frequency). This sequence change replaces glutamic acid, which is acidic and polar, with valine, which is neutral and non-polar, at codon 114 of the CEP57 protein (p.Glu114Val).